The following is an entry in ClinVar:

NM_182931.3(KMT2E):c.3341G>C (p.Gly1114Ala)

Gene: KMT2E (lysine methyltransferase 2E (inactive); plus strand). Cytogenetic location: 7q22.3.
Variant type: single nucleotide variant.
Coding change: c.3341G>C on transcript NM_182931.3 (MANE Select); coding-DNA position 3341, G replaced by C.
Protein change: p.Gly1114Ala; replaces glycine 1114 with alanine.
Molecular consequence: missense variant.
Genome position (GRCh38, 1-based): chr7:105,107,798, G>C. VCF-style: chr7-105107798-G-C. GRCh37 (hg19) VCF-style: chr7-104748245-G-C.
Other names: c.3341G>C, p.Gly1114Ala (NM_001410908.1, NM_018682.4); short protein forms G1114A.
Identifiers: ClinVar variation 2576947 (VCV002576947.1), dbSNP rs2536510611, ClinGen allele CA368789162.
Genomic context (GRCh38, chr7:105,107,798, plus strand): 5'-AGGTTGGAGGAGGCTTCCGAATAAGTGAGTCAAAGTGCCTGATGCAGGATGATACTAGAG[G>C]CATGTTTATGGAAACAACTGTGTTTTGTACTTCCGAAGATGGGCTTGTATCTGGTTTCGG-3'
Protein context (NP_891847.1, residues 1104-1124): SKCLMQDDTR[Gly1114Ala]MFMETTVFCT

ClinVar aggregate classification (germline): Uncertain significance (1 of 4 stars; one submission).

Submission:

GeneDx
Classification: Uncertain significance. Last evaluated: 2023-08-16. Review status: criteria provided, single submitter. Criteria: GeneDx Variant Classification Process June 2021. Collection method: clinical testing. Allele origin: germline. Affected: yes.
Comment: Not observed at significant frequency in large population cohorts (gnomAD); In silico analysis supports that this missense variant does not alter protein structure/function; Has not been previously published as pathogenic or benign to our knowledge